The following is an entry in ClinVar:

ClinVar aggregate classification (germline): Conflicting classifications of pathogenicity. Review status: criteria provided, conflicting classifications (1 of 4 stars). 7 submissions from 4 submitters: Uncertain significance (4); Likely benign (2). 1 of the submissions does not count toward it. Last evaluated 2026-02-20.

Conditions:
Familial hypocalciuric hypercalcemia 1. Also called: Hypercalcemia, familial benign type 1. Identifiers: Orphanet 405, Orphanet 93372, MedGen C0342637, MONDO:0007791, OMIM 145980.
Autosomal dominant hypocalcemia 1 (HYPOC1). Also called: HYPOCALCEMIA, FAMILIAL. Identifiers: MedGen C3715128, MONDO:0011013, OMIM 601198.
Familial hypoparathyroidism. Also called: Familial isolated hypoparathyroidism. Identifiers: Orphanet 2238, MedGen C1832648, MONDO:0016390.
CASR-related disorder. Also called: CASR-related condition.
Familial hypocalciuric hypercalcemia (FHH). Also called: Familial benign hypercalcemia. Identifiers: Orphanet 405, MedGen C1809471, MONDO:0018458.
Nephrolithiasis/nephrocalcinosis. Identifiers: MedGen CN580796.
Neonatal severe primary hyperparathyroidism. Identifiers: Orphanet 417, MedGen C1832615, MONDO:0009397, OMIM 239200.

Allele frequency attached by ClinVar (database versions not stated): TOPMed 0.00001; gnomAD 0.00002.

Submissions (7):

Ambry Genetics
Classification: Likely benign for Nephrolithiasis/nephrocalcinosis. Last evaluated: 2026-02-20. Review status: criteria provided, single submitter. Criteria: Ambry Variant Classification Scheme 2023. Collection method: clinical testing. Allele origin: germline.

Labcorp Genetics (formerly Invitae), Labcorp
Classification: Likely benign for Familial hypocalciuric hypercalcemia; Autosomal dominant hypocalcemia 1. Last evaluated: 2023-11-19. Review status: criteria provided, single submitter. Criteria: Invitae Variant Classification Sherloc (09022015). Collection method: clinical testing. Allele origin: germline.

Illumina Laboratory Services, Illumina
Classification: Uncertain significance for Familial isolated hypoparathyroidism. Last evaluated: 2018-01-13. Review status: criteria provided, single submitter. Criteria: ICSL Variant Classification Criteria 13 December 2019. Collection method: clinical testing. Allele origin: germline.

Illumina Laboratory Services, Illumina
Classification: Uncertain significance for Familial hypocalciuric hypercalcemia 1. Last evaluated: 2018-01-13. Review status: criteria provided, single submitter. Criteria: ICSL Variant Classification Criteria 13 December 2019. Collection method: clinical testing. Allele origin: germline.

Illumina Laboratory Services, Illumina
Classification: Uncertain significance for Autosomal dominant hypocalcemia 1. Last evaluated: 2018-01-13. Review status: criteria provided, single submitter. Criteria: ICSL Variant Classification Criteria 13 December 2019. Collection method: clinical testing. Allele origin: germline.

Illumina Laboratory Services, Illumina
Classification: Uncertain significance for Neonatal severe primary hyperparathyroidism. Last evaluated: 2018-01-13. Review status: criteria provided, single submitter. Criteria: ICSL Variant Classification Criteria 13 December 2019. Collection method: clinical testing. Allele origin: germline.

PreventionGenetics, part of Exact Sciences
Classification: Likely benign for CASR-related condition. Last evaluated: 2021-12-06. Review status: no assertion criteria provided. Collection method: clinical testing. Allele origin: germline. Not counted in ClinVar's aggregate classification.
Comment: This variant is classified as likely benign based on ACMG/AMP sequence variant interpretation guidelines (Richards et al. 2015 PMID: 25741868, with internal and published modifications).

NM_000388.4(CASR):c.3168G>T (p.Val1056=)

Gene: CASR (calcium sensing receptor; plus strand). Cytogenetic location: 3q21.1.
Variant type: single nucleotide variant.
Coding change: c.3168G>T on transcript NM_000388.4 (MANE Select); coding-DNA position 3168, G replaced by T.
Protein change: p.Val1056=; no amino-acid change (valine 1056 retained).
Molecular consequence: synonymous variant.
Genome position (GRCh38, 1-based): chr3:122,285,122, G>T. VCF-style: chr3-122285122-G-T. GRCh37 (hg19) VCF-style: chr3-122003969-G-T.
Other names: c.3198G>T, p.Val1066= (NM_001178065.2); c.3198G>T (NM_001178065.1).
Identifiers: ClinVar variation 342805 (VCV000342805.23), dbSNP rs886057831, ClinGen allele CA10614607.